The following is an entry in ClinVar:

NM_172362.3(KCNH1):c.475A>G (p.Thr159Ala)

Gene: KCNH1 (potassium voltage-gated channel subfamily H member 1; minus strand). Cytogenetic location: 1q32.2.
Variant type: single nucleotide variant.
Coding change: c.475A>G on transcript NM_172362.3 (MANE Select); coding-DNA position 475, A replaced by G.
Protein change: p.Thr159Ala; replaces threonine 159 with alanine.
Molecular consequence: missense variant.
Genome position (GRCh38, 1-based): chr1:211,082,863, T>C on the plus strand (A>G on the coding strand, the complement: KCNH1 is on the minus strand). VCF-style: chr1-211082863-T-C. GRCh37 (hg19) VCF-style: chr1-211256205-T-C.
Other names: c.475A>G, p.Thr159Ala (NM_002238.4); short protein forms T159A.
Identifiers: ClinVar variation 3015038 (VCV003015038.5), dbSNP rs1690882891, ClinGen allele CA344875107.

ClinVar aggregate classification (germline): Uncertain significance. Review status: criteria provided, multiple submitters, no conflicts (2 of 4 stars). 2 submissions from 2 submitters: Uncertain significance (2). Last evaluated 2026-04-10.

Allele frequency attached by ClinVar (database versions not stated): gnomAD exomes below 0.00001.
gnomAD v4.1: 1 of 1,614,106 alleles (0.000062%); highest among the groups gnomAD compares: Admixed American, 0.0017%; no homozygotes.

Submissions (2):

Dasa
Classification: Uncertain significance. Last evaluated: 2026-04-10. Review status: criteria provided, single submitter. Criteria: DASA Assertion Criteria. Collection method: clinical testing. Allele origin: germline.
Comment: NM_172362.3(KCNH1):c.475A>G (p.Thr159Ala) is a missense variant that results in the substitution of threonine with alanine. This variant is rare in population databases. The currently available literature and clinical evidence are not sufficient to establish a definitive association between this variant and the reported condition. Therefore, this variant is classified as a variant of uncertain significance.

Labcorp Genetics (formerly Invitae), Labcorp
Classification: Uncertain significance. Last evaluated: 2023-12-16. Review status: criteria provided, single submitter. Criteria: Invitae Variant Classification Sherloc (09022015). Collection method: clinical testing. Allele origin: germline.
Comment: This sequence change replaces threonine, which is neutral and polar, with alanine, which is neutral and non-polar, at codon 159 of the KCNH1 protein (p.Thr159Ala). This variant is not present in population databases (gnomAD no frequency). This variant has not been reported in the literature in individuals affected with KCNH1-related conditions. Advanced modeling of protein sequence and biophysical properties (such as structural, functional, and spatial information, amino acid conservation, physicochemical variation, residue mobility, and thermodynamic stability) performed at Invitae indicates that this missense variant is expected to disrupt KCNH1 protein function with a positive predictive value of 95%. In summary, the available evidence is currently insufficient to determine the role of this variant in disease. Therefore, it has been classified as a Variant of Uncertain Significance.